The following is an entry in ClinVar:

ClinVar aggregate classification (germline): Uncertain significance (1 of 4 stars; one submission).

Conditions:
IMPDH2-associated neurodevelopmental disorder.

Submission:

Institute of Human Genetics, University of Leipzig Medical Center
Classification: Uncertain significance for IMPDH2-associated neurodevelopmental disorder. Last evaluated: 2024-05-02. Review status: criteria provided, single submitter. Criteria: ACMG Guidelines, 2015. Collection method: clinical testing. Allele origin: de novo. Inheritance: Autosomal dominant inheritance. Affected: yes.
Comment: Criteria applied: PS2_MOD,PM2_SUP,PP3

NM_000884.3(IMPDH2):c.613A>G (p.Lys205Glu)

Gene: IMPDH2 (inosine monophosphate dehydrogenase 2; minus strand). Cytogenetic location: 3p21.31.
Variant type: single nucleotide variant.
Coding change: c.613A>G on transcript NM_000884.3 (MANE Select); coding-DNA position 613, A replaced by G.
Protein change: p.Lys205Glu; replaces lysine 205 with glutamic acid.
Molecular consequence: missense variant.
Genome position (GRCh38, 1-based): chr3:49,026,966, T>C on the plus strand (A>G on the coding strand, the complement: IMPDH2 is on the minus strand). VCF-style: chr3-49026966-T-C. GRCh37 (hg19) VCF-style: chr3-49064399-T-C.
Other names: c.613A>G, p.Lys205Glu (NM_001410759.1); c.538A>G, p.Lys180Glu (NM_001410760.1, NM_001410761.1); short protein forms K180E, K205E.
Identifiers: ClinVar variation 3359002 (VCV003359002.2).
Genomic context (GRCh38, chr3:49,026,966, plus strand): 5'-TGAATCAGGACCCTAGGCATTAGTTCCAGGCCCTTTCCCAGCTCTAGGACTTACCCTTCT[T>C]GCTGCGCTGCAGAATTTCATTTGCCTCCTTCAGTGTGATGCCTGCAGGGGCTACCACCAA-3'
Protein context (NP_000875.2, residues 195-215): KEANEILQRS[Lys205Glu]KGKLPIVNED